The following is an entry in ClinVar:

NM_002667.5(PLN):c.-97-53T>A

Genes: CEP85L (centrosomal protein 85L; minus strand), PLN (phospholamban; plus strand). Cytogenetic location: 6q22.31.
Variant type: single nucleotide variant.
Coding change: c.-97-53T>A on transcript NM_002667.5 (MANE Select); 53 bases into the intron before 97 bases upstream of the start codon, T replaced by A.
Molecular consequence: intron variant.
Genome position (GRCh38, 1-based): chr6:118,558,772, T>A. VCF-style: chr6-118558772-T-A. GRCh37 (hg19) VCF-style: chr6-118879935-T-A.
Other names: NC_000006.11:g.118879935T>A; c.1029+6757A>T (NM_001178035.2); c.1020+6757A>T (NM_001042475.3, NM_206921.3).
Identifiers: ClinVar variation 675329 (VCV000675329.3), dbSNP rs114121060, ClinGen allele CA146529585.

ClinVar aggregate classification (germline): Likely benign (1 of 4 stars; one submission).

Allele frequency attached by ClinVar (database versions not stated): gnomAD 0.00854 and 0.00913; TOPMed 0.00971; 1000 Genomes Project 0.01098; gnomAD exomes 0.00087; 1000 Genomes Project 30x 0.01187.
gnomAD v4.1: 1,778 of 682,222 alleles (0.26%); highest among the groups gnomAD compares: African/African-American, 2.9%; 21 homozygotes.

Submissions (2):

GeneDx
Classification: Likely benign. Last evaluated: 2018-06-19. Review status: criteria provided, single submitter. Criteria: GeneDx Variant Classification (06012015). Collection method: clinical testing. Allele origin: germline. Affected: yes.
Comment: This variant is considered likely benign or benign based on one or more of the following criteria: it is a conservative change, it occurs at a poorly conserved position in the protein, it is predicted to be benign by multiple in silico algorithms, and/or has population frequency not consistent with disease.

Dr. Peter K. Rogan Lab, Western University
No classification provided (evidence only). Condition: Sarcoma. Review status: no classification provided. Collection method: in vitro. Allele origin: not applicable. Functional consequence: retained intron. Not counted in ClinVar's aggregate classification.